The following is an entry in ClinVar:

ClinVar aggregate classification (germline): Uncertain significance (1 of 4 stars; one submission).

Allele frequency attached by ClinVar (database versions not stated): TOPMed below 0.00001.

Submission:

GeneDx
Classification: Uncertain significance. Last evaluated: 2019-08-27. Review status: criteria provided, single submitter. Criteria: GeneDx Variant Classification Process June 2021. Collection method: clinical testing. Allele origin: germline. Affected: yes.
Comment: Not observed in large population cohorts (Lek et al., 2016); In silico analysis, which includes protein predictors and evolutionary conservation, supports a deleterious effect; Has not been previously published as pathogenic or benign to our knowledge

NM_006164.5(NFE2L2):c.88C>G (p.Leu30Val)

Gene: NFE2L2 (NFE2 like bZIP transcription factor 2; minus strand). Cytogenetic location: 2q31.2.
Variant type: single nucleotide variant.
Coding change: c.88C>G on transcript NM_006164.5 (MANE Select); coding-DNA position 88, C replaced by G.
Protein change: p.Leu30Val; replaces leucine 30 with valine.
Molecular consequence: missense variant. On other transcripts: 5 prime UTR variant (1).
Genome position (GRCh38, 1-based): chr2:177,234,229, G>C on the plus strand (C>G on the coding strand, the complement: NFE2L2 is on the minus strand). VCF-style: chr2-177234229-G-C. GRCh37 (hg19) VCF-style: chr2-178098957-G-C.
Other names: c.40C>G, p.Leu14Val (NM_001145412.3, NM_001145413.3, NM_001313900.1 and 1 more transcripts); c.88C>G, p.Leu30Val (NM_001313902.2, NM_001313903.2); c.-142C>G (NM_001313904.1); short protein forms L14V, L30V.
Identifiers: ClinVar variation 1307961 (VCV001307961.3), dbSNP rs1689663660, ClinGen allele CA349381845.
Genomic context (GRCh38, chr2:177,234,229, plus strand): 5'-TTTCCAGCTCATACTCTTTCCGTCGCTGACTGAAGTCAAATACTTCTCGACTTACTCCAA[G>C]ATCTATATCTTGCCTCCAAAGTATGTCAATCAAATCCATGTCCTATGTTTAAGACAAAAA-3'
Protein context (NP_006155.2, residues 20-40): IDILWRQDID[Leu30Val]GVSREVFDFS